The following is an entry in ClinVar:

NM_005751.5(AKAP9):c.5601+4A>C

Gene: AKAP9 (A-kinase anchoring protein 9; plus strand). Cytogenetic location: 7q21.2.
Variant type: single nucleotide variant.
Coding change: c.5601+4A>C on transcript NM_005751.5 (MANE Select); 4 bases into the intron after coding-DNA position 5601, A replaced by C.
Molecular consequence: intron variant.
Genome position (GRCh38, 1-based): chr7:92,052,962, A>C. VCF-style: chr7-92052962-A-C. GRCh37 (hg19) VCF-style: chr7-91682276-A-C.
Other names: c.5601+4A>C (NM_147185.3, NM_005751.4).
Identifiers: ClinVar variation 2790826 (VCV002790826.4), dbSNP rs2535165611, ClinGen allele CA2739266567.

ClinVar aggregate classification (germline): Uncertain significance. Review status: criteria provided, multiple submitters, no conflicts (2 of 4 stars). 2 submissions from 2 submitters: Uncertain significance (2). Last evaluated 2023-10-17.

Conditions:
Cardiovascular phenotype. Identifiers: MedGen CN230736.
Long QT syndrome (LQTS). Identifiers: MedGen C0023976, MeSH D008133, MONDO:0002442. Disease mechanism: loss of function. Inheritance: Various modes of inheritance.

Submissions (2):

Ambry Genetics
Classification: Uncertain significance for Cardiovascular phenotype. Last evaluated: 2023-10-17. Review status: criteria provided, single submitter. Criteria: Ambry Variant Classification Scheme 2023. Collection method: clinical testing. Allele origin: germline.
Comment: The c.5601+4A>C intronic variant results from an A to C substitution 4 nucleotides after coding exon 22 in the AKAP9 gene. This nucleotide position is highly conserved in available vertebrate species. In silico splice site analysis predicts that this alteration will not have any significant effect on splicing. The evidence for this gene-disease relationship is limited; therefore, the clinical significance of this alteration is unclear.

Labcorp Genetics (formerly Invitae), Labcorp
Classification: Uncertain significance for Long QT syndrome. Last evaluated: 2023-05-16. Review status: criteria provided, single submitter. Criteria: Invitae Variant Classification Sherloc (09022015). Collection method: clinical testing. Allele origin: germline.
Comment: This sequence change falls in intron 22 of the AKAP9 gene. It does not directly change the encoded amino acid sequence of the AKAP9 protein. It affects a nucleotide within the consensus splice site. This variant is not present in population databases (gnomAD no frequency). This variant has not been reported in the literature in individuals affected with AKAP9-related conditions. Variants that disrupt the consensus splice site are a relatively common cause of aberrant splicing (PMID: 17576681, 9536098). Algorithms developed to predict the effect of sequence changes on RNA splicing suggest that this variant is not likely to affect RNA splicing. In summary, the available evidence is currently insufficient to determine the role of this variant in disease. Therefore, it has been classified as a Variant of Uncertain Significance.

Literature cited by the submitters: PubMed 17576681 (cited by Labcorp Genetics (formerly Invitae), Labcorp); PubMed 9536098 (cited by Labcorp Genetics (formerly Invitae), Labcorp).